The following is an entry in ClinVar:

NM_004463.3(FGD1):c.86C>T (p.Ala29Val)

Gene: FGD1 (FYVE, RhoGEF and PH domain containing 1; minus strand). Cytogenetic location: Xp11.22.
Variant type: single nucleotide variant.
Coding change: c.86C>T on transcript NM_004463.3 (MANE Select); coding-DNA position 86, C replaced by T.
Protein change: p.Ala29Val; replaces alanine 29 with valine.
Molecular consequence: missense variant.
Genome position (GRCh38, 1-based): chrX:54,495,347, G>A on the plus strand (C>T on the coding strand, the complement: FGD1 is on the minus strand). VCF-style: chrX-54495347-G-A. GRCh37 (hg19) VCF-style: chrX-54521780-G-A.
Other names: short protein forms A29V.
Identifiers: ClinVar variation 1945850 (VCV001945850.5), dbSNP rs112746751, ClinGen allele CA413255075.

ClinVar aggregate classification (germline): Uncertain significance (1 of 4 stars; one submission).

Submission:

Labcorp Genetics (formerly Invitae), Labcorp
Classification: Uncertain significance. Last evaluated: 2022-07-26. Review status: criteria provided, single submitter. Criteria: Invitae Variant Classification Sherloc (09022015). Collection method: clinical testing. Allele origin: germline.
Comment: This variant is not present in population databases (gnomAD no frequency). In summary, the available evidence is currently insufficient to determine the role of this variant in disease. Therefore, it has been classified as a Variant of Uncertain Significance. Algorithms developed to predict the effect of missense changes on protein structure and function output the following: SIFT: "Tolerated"; PolyPhen-2: "Possibly Damaging"; Align-GVGD: "Class C0". The valine amino acid residue is found in multiple mammalian species, which suggests that this missense change does not adversely affect protein function. This variant has not been reported in the literature in individuals affected with FGD1-related conditions. This sequence change replaces alanine, which is neutral and non-polar, with valine, which is neutral and non-polar, at codon 29 of the FGD1 protein (p.Ala29Val).